The following is an entry in ClinVar:

ClinVar aggregate classification (germline): Likely benign (1 of 4 stars; one submission).

gnomAD v4.1: 37 of 1,520,884 alleles (0.0024%); highest among the groups gnomAD compares: African/African-American, 0.025%; no homozygotes.

Submission:

CeGaT Center for Human Genetics Tuebingen
Classification: Likely benign. Last evaluated: 2025-10-01. Review status: criteria provided, single submitter. Criteria: CeGaT Center For Human Genetics Tuebingen Variant Classification Criteria Version 2. Collection method: clinical testing. Allele origin: germline. Affected: yes. Observed: 3 variant alleles.
Comment: DRD4: BP4, BP7

NM_000797.4(DRD4):c.918C>T (p.Cys306=)

Gene: DRD4 (dopamine receptor D4; plus strand). Cytogenetic location: 11p15.5.
Variant type: single nucleotide variant.
Coding change: c.918C>T on transcript NM_000797.4 (MANE Select); coding-DNA position 918, C replaced by T.
Protein change: p.Cys306=; no amino-acid change (cysteine 306 retained).
Molecular consequence: synonymous variant.
Genome position (GRCh38, 1-based): chr11:640,167, C>T. VCF-style: chr11-640167-C-T. GRCh37 (hg19) VCF-style: chr11-640167-C-T.
Identifiers: ClinVar variation 3777968 (VCV003777968.7).